The following is an entry in ClinVar:

NM_006379.5(SEMA3C):c.1514G>T (p.Gly505Val)

Gene: SEMA3C (semaphorin 3C; minus strand). Cytogenetic location: 7q21.11.
Variant type: single nucleotide variant.
Coding change: c.1514G>T on transcript NM_006379.5 (MANE Select); coding-DNA position 1514, G replaced by T.
Protein change: p.Gly505Val; replaces glycine 505 with valine.
Molecular consequence: missense variant.
Genome position (GRCh38, 1-based): chr7:80,758,460, C>A on the plus strand (G>T on the coding strand, the complement: SEMA3C is on the minus strand). VCF-style: chr7-80758460-C-A. GRCh37 (hg19) VCF-style: chr7-80387776-C-A.
Other names: c.1568G>T, p.Gly523Val (NM_001350120.2); c.1340G>T, p.Gly447Val (NM_001350121.2); short protein forms G447V, G505V, G523V.
Identifiers: ClinVar variation 2631869 (VCV002631869.2), dbSNP rs759196608, ClinGen allele CA4316069.

ClinVar aggregate classification (germline): Uncertain significance (1 of 4 stars; one submission).

Conditions:
SEMA3C-related disorder. Also called: SEMA3C-related condition.

Allele frequency attached by ClinVar (database versions not stated): ExAC 0.00001; gnomAD exomes 0.00001.
gnomAD v4.1: 10 of 1,613,694 alleles (0.00062%); highest among the groups gnomAD compares: Non-Finnish European, 0.00068%; no homozygotes.

Submission:

PreventionGenetics, part of Exact Sciences
Classification: Uncertain significance for SEMA3C-related condition. Last evaluated: 2025-01-29. Review status: criteria provided, single submitter. Criteria: ACMG Guidelines, 2015. Collection method: clinical testing. Allele origin: germline.
Comment: The SEMA3C c.1568G>T variant is predicted to result in the amino acid substitution p.Gly523Val. To our knowledge, this variant has not been reported in the literature or in a large population database, indicating this variant is rare. At this time, the clinical significance of this variant is uncertain due to the absence of conclusive functional and genetic evidence.